The following is an entry in ClinVar:

ClinVar aggregate classification (germline): Uncertain significance (1 of 4 stars; one submission).

Conditions:
Charcot-Marie-Tooth disease type 4. Also called: Charcot-Marie-Tooth disease, type IV; Charcot-Marie-Tooth, Type 4. Identifiers: Orphanet 64749, MedGen C4082197, MONDO:0018995.

Submission:

Labcorp Genetics (formerly Invitae), Labcorp
Classification: Uncertain significance for Charcot-Marie-Tooth disease type 4. Last evaluated: 2022-07-05. Review status: criteria provided, single submitter. Criteria: Invitae Variant Classification Sherloc (09022015). Collection method: clinical testing. Allele origin: germline.
Comment: ClinVar contains an entry for this variant (Variation ID: 847771). This variant has not been reported in the literature in individuals affected with FGD4-related conditions. This variant is not present in population databases (gnomAD no frequency). This sequence change falls in intron 5 of the FGD4 gene. It does not directly change the encoded amino acid sequence of the FGD4 protein. It affects a nucleotide within the consensus splice site. Variants that disrupt the consensus splice site are a relatively common cause of aberrant splicing (PMID: 17576681, 9536098). Algorithms developed to predict the effect of sequence changes on RNA splicing suggest that this variant is not likely to affect RNA splicing. In summary, the available evidence is currently insufficient to determine the role of this variant in disease. Therefore, it has been classified as a Variant of Uncertain Significance.

Literature cited by the submitters: PubMed 17576681; PubMed 9536098.

NM_001370298.3(FGD4):c.1101+6A>T

Gene: FGD4 (FYVE, RhoGEF and PH domain containing 4; plus strand). Cytogenetic location: 12p11.21.
Variant type: single nucleotide variant.
Coding change: c.1101+6A>T on transcript NM_001370298.3 (MANE Select); 6 bases into the intron after coding-DNA position 1101, A replaced by T.
Molecular consequence: intron variant.
Genome position (GRCh38, 1-based): chr12:32,598,592, A>T. VCF-style: chr12-32598592-A-T. GRCh37 (hg19) VCF-style: chr12-32751526-A-T.
Other names: c.1101+6A>T (NM_001384126.1); c.945+6A>T (NM_001304481.2); c.411+6A>T (NM_001330374.2, NM_001330373.2, NM_001384130.1); c.690+6A>T (NM_139241.3, NM_001384127.1, NM_001385118.1 and 1 more transcripts); c.-462+6A>T (NM_001304484.2); c.138+6A>T (NM_001370297.1); c.-155+6A>T (NM_001304483.2).
Identifiers: ClinVar variation 847771 (VCV000847771.8), dbSNP rs1948094442, ClinGen allele CA916083297.